The following is an entry in ClinVar:

NM_015662.3(IFT172):c.4793A>G (p.Asn1598Ser)

Genes: IFT172 (intraflagellar transport 172; minus strand), KRTCAP3 (keratinocyte associated protein 3; plus strand). Cytogenetic location: 2p23.3.
Variant type: single nucleotide variant.
Coding change: c.4793A>G on transcript NM_015662.3 (MANE Select); coding-DNA position 4793, A replaced by G.
Protein change: p.Asn1598Ser; replaces asparagine 1598 with serine.
Molecular consequence: missense variant. On other transcripts: intron variant (1).
Genome position (GRCh38, 1-based): chr2:27,445,951, T>C on the plus strand (A>G on the coding strand, the complement: IFT172 is on the minus strand). VCF-style: chr2-27445951-T-C. GRCh37 (hg19) VCF-style: chr2-27668818-T-C.
Other names: c.4727A>G, p.Asn1576Ser (NM_001410739.1); c.*6-350T>C (NM_001168364.2); short protein forms N1598S, N1576S.
Identifiers: ClinVar variation 942546 (VCV000942546.9), dbSNP rs755477787, ClinGen allele CA1579473.

ClinVar aggregate classification (germline): Uncertain significance. Review status: criteria provided, multiple submitters, no conflicts (2 of 4 stars). 2 submissions from 2 submitters: Uncertain significance (2). Last evaluated 2023-11-20.

Conditions:
Retinitis pigmentosa 71 (RP71). Identifiers: Orphanet 791, MedGen C4225342, MONDO:0014618, OMIM 616394.
Short-rib thoracic dysplasia 10 with or without polydactyly (SRTD10). Identifiers: Orphanet 474, MedGen C3810175, MONDO:0014284, OMIM 615630.

Allele frequency attached by ClinVar (database versions not stated): gnomAD 0.00002; gnomAD exomes 0.00002; TOPMed 0.00002; ExAC 0.00002.
gnomAD v4.1: 26 of 1,614,054 alleles (0.0016%); highest among the groups gnomAD compares: East Asian, 0.0045%; no homozygotes.

Submissions (2):

Blueprint Genetics
Classification: Uncertain significance. Last evaluated: 2023-11-20. Review status: criteria provided, single submitter. Criteria: ACMG Guidelines, 2015. Collection method: clinical testing. Allele origin: germline.

Labcorp Genetics (formerly Invitae), Labcorp
Classification: Uncertain significance for Retinitis pigmentosa 71; Short-rib thoracic dysplasia 10 with or without polydactyly. Last evaluated: 2021-09-01. Review status: criteria provided, single submitter. Criteria: Invitae Variant Classification Sherloc (09022015). Collection method: clinical testing. Allele origin: germline.
Comment: This sequence change replaces asparagine with serine at codon 1598 of the IFT172 protein (p.Asn1598Ser). The asparagine residue is moderately conserved and there is a small physicochemical difference between asparagine and serine. This variant is present in population databases (rs755477787, ExAC 0.01%). This variant has not been reported in the literature in individuals affected with IFT172-related conditions. Algorithms developed to predict the effect of missense changes on protein structure and function are either unavailable or do not agree on the potential impact of this missense change (SIFT: "Deleterious"; PolyPhen-2: "Probably Damaging"; Align-GVGD: "Class C0"). Algorithms developed to predict the effect of sequence changes on RNA splicing suggest that this variant may create or strengthen a splice site. In summary, the available evidence is currently insufficient to determine the role of this variant in disease. Therefore, it has been classified as a Variant of Uncertain Significance.